The following is an entry in ClinVar:

ClinVar aggregate classification (germline): Uncertain significance (1 of 4 stars; one submission).

Conditions:
Acute myeloid leukemia (AML). Also called: Leukemia, acute myeloid, somatic; Leukemia, acute myelogenous, somatic; Acute myeloid leukemia, adult; AML adult; Acute non-lymphocytic leukemia; Acute granulocytic leukemia. Identifiers: Orphanet 519, MedGen C0023467, MeSH D015470, MONDO:0018874, OMIM 601626, HP:0004808. Disease mechanism: Constitutively activated FLT3.

Submission:

Labcorp Genetics (formerly Invitae), Labcorp
Classification: Uncertain significance for Acute myeloid leukemia. Last evaluated: 2021-08-04. Review status: criteria provided, single submitter. Criteria: Invitae Variant Classification Sherloc (09022015). Collection method: clinical testing. Allele origin: germline.
Comment: In summary, the available evidence is currently insufficient to determine the role of this variant in disease. Therefore, it has been classified as a Variant of Uncertain Significance. Algorithms developed to predict the effect of missense changes on protein structure and function do not agree on the potential impact of this missense change (SIFT: "Deleterious"; PolyPhen-2: "Benign"; Align-GVGD: "Class C0"). This variant has not been reported in the literature in individuals with CEBPA-related disease. While this variant is not present in population databases, the frequency information is unreliable, as metrics indicate poor data quality at this position in the ExAC database. This sequence change replaces alanine with serine at codon 30 of the CEBPA protein (p.Ala30Ser). The alanine residue is moderately conserved and there is a moderate physicochemical difference between alanine and serine.

NM_004364.5(CEBPA):c.88G>T (p.Ala30Ser)

Gene: CEBPA (CCAAT enhancer binding protein alpha; minus strand). Cytogenetic location: 19q13.11.
Variant type: single nucleotide variant.
Coding change: c.88G>T on transcript NM_004364.5 (MANE Select); coding-DNA position 88, G replaced by T.
Protein change: p.Ala30Ser; replaces alanine 30 with serine.
Molecular consequence: missense variant. On other transcripts: 5 prime UTR variant (1).
Genome position (GRCh38, 1-based): chr19:33,302,327, C>A on the plus strand (G>T on the coding strand, the complement: CEBPA is on the minus strand). VCF-style: chr19-33302327-C-A. GRCh37 (hg19) VCF-style: chr19-33793233-C-A.
Other names: c.-270G>T (NM_001285829.2); c.193G>T, p.Ala65Ser (NM_001287424.2); c.46G>T, p.Ala16Ser (NM_001287435.2); short protein forms A30S, A65S, A16S.
Identifiers: ClinVar variation 456707 (VCV000456707.9), dbSNP rs1555742305, ClinGen allele CA405275699.